The following is an entry in ClinVar:

ClinVar aggregate classification (germline): Conflicting classifications of pathogenicity. Review status: criteria provided, conflicting classifications (1 of 4 stars). 5 submissions from 5 submitters: Pathogenic (3); Likely pathogenic (1); Uncertain significance (1). Last evaluated 2026-04-09.

Conditions:
Progressive familial intrahepatic cholestasis (PFIC). Also called: Progressive intrahepatic cholestasis; Progressive family intrahepatic cholestasis. Identifiers: Orphanet 172, MedGen C0268312, MONDO:0015762.
ABCB4-related disorder. Also called: ABCB4-related disorders; ABCB4-related condition.

Allele frequency attached by ClinVar (database versions not stated): gnomAD exomes below 0.00001 and 0.00001; ExAC 0.00001; gnomAD 0.00001.
gnomAD v4.1: 3 of 1,592,988 alleles (0.00019%); highest among the groups gnomAD compares: African/African-American, 0.004%; no homozygotes.

Submissions (5):

Women's Health and Genetics/Laboratory Corporation of America, LabCorp
Classification: Likely pathogenic for Progressive familial intrahepatic cholestasis. Last evaluated: 2026-04-09. Review status: criteria provided, single submitter. Criteria: LabCorp Variant Classification Summary - May 2015. Collection method: clinical testing. Allele origin: germline.
Comment: Variant summary: ABCB4 c.1006-1G>T is located in a canonical splice-site and is predicted to affect mRNA splicing resulting in a significantly altered protein due to either exon skipping, shortening, or inclusion of intronic material. Variants that disrupt the consensus splice site are a relatively common cause of aberrant splicing and loss of ABCB4 function. Several computational tools predict a significant impact on normal splicing: Four predict the variant abolishes a canonical 3' acceptor site. However, these predictions have yet to be confirmed by functional studies. The variant allele was found at a frequency of 1.3e-05 in 235588 control chromosomes. c.1006-1G>T has been observed in at least one individual whose history includes intrahepatic cholestasis of pregnancy, cholestatic chronic liver disease, and low phospholipid associated cholestasis (example: Bittencourt_2025). This report does not provide unequivocal conclusions about association of the variant with Progressive Familial Intrahepatic Cholestasis. To our knowledge, no experimental evidence demonstrating an impact on protein function has been reported. ClinVar contains an entry for this variant (Variation ID: 498111). Based on the evidence outlined above, the variant was classified as likely pathogenic.

PreventionGenetics, part of Exact Sciences
Classification: Pathogenic for ABCB4-related condition. Last evaluated: 2026-02-04. Review status: criteria provided, single submitter. Criteria: ACMG Guidelines, 2015. Collection method: clinical testing. Allele origin: germline.
Comment: The ABCB4 c.1006-1G>T variant is predicted to disrupt the AG splice acceptor site and interfere with normal splicing. This variant was previously reported, along with a second missense variant, in an individual with cholestasis (Bittencourt et al. 2025. Hepatol Commun. Dec 16;10(1):e0851. doi: 10.1097/HC9.0000000000000851). This variant is reported in 0.013% of alleles in individuals of African descent in gnomAD. Variants that disrupt the consensus splice acceptor site in ABCB4 are expected to be pathogenic. This variant is interpreted as pathogenic.

Labcorp Genetics (formerly Invitae), Labcorp
Classification: Pathogenic. Last evaluated: 2025-01-08. Review status: criteria provided, single submitter. Criteria: Invitae Variant Classification Sherloc (09022015). Collection method: clinical testing. Allele origin: germline.
Comment: This sequence change affects an acceptor splice site in intron 9 of the ABCB4 gene. It is expected to disrupt RNA splicing. Variants that disrupt the donor or acceptor splice site typically lead to a loss of protein function (PMID: 16199547), and loss-of-function variants in ABCB4 are known to be pathogenic (PMID: 17726488, 25755532). This variant is present in population databases (rs772823352, gnomAD 0.01%). Disruption of this splice site has been observed in individual(s) with intrahepatic cholestasis (PMID: 30298496). In at least one individual the data is consistent with being in trans (on the opposite chromosome) from a pathogenic variant. ClinVar contains an entry for this variant (Variation ID: 498111). Algorithms developed to predict the effect of sequence changes on RNA splicing suggest that this variant may disrupt the consensus splice site. For these reasons, this variant has been classified as Pathogenic.

Mayo Clinic Laboratories, Mayo Clinic
Classification: Uncertain significance. Last evaluated: 2022-07-25. Review status: criteria provided, single submitter. Criteria: ACMG Guidelines, 2015. Collection method: clinical testing. Allele origin: germline. Observed: 1 variant allele.
Comment: PM2, PVS1_moderate

Eurofins Ntd Llc (ga)
Classification: Pathogenic. Last evaluated: 2016-11-18. Review status: criteria provided, single submitter. Criteria: EGL Classification Definitions 2015. Collection method: clinical testing. Allele origin: germline. Observed: 3 variant alleles, 3 heterozygotes.

Literature cited by the submitters: PubMed 16199547 (cited by Labcorp Genetics (formerly Invitae), Labcorp); PubMed 17726488 (cited by Labcorp Genetics (formerly Invitae), Labcorp); PubMed 25755532 (cited by Labcorp Genetics (formerly Invitae), Labcorp); PubMed 30298496 (cited by Labcorp Genetics (formerly Invitae), Labcorp).

NM_000443.4(ABCB4):c.1006-1G>T

Gene: ABCB4 (ATP binding cassette subfamily B member 4; minus strand). Cytogenetic location: 7q21.12.
Variant type: single nucleotide variant.
Coding change: c.1006-1G>T on transcript NM_000443.4 (MANE Select); the canonical splice acceptor site of the intron before coding-DNA position 1006, G replaced by T.
Molecular consequence: splice acceptor variant.
Genome position (GRCh38, 1-based): chr7:87,444,976, C>A on the plus strand (G>T on the coding strand, the complement: ABCB4 is on the minus strand). VCF-style: chr7-87444976-C-A. GRCh37 (hg19) VCF-style: chr7-87074292-C-A.
Other names: c.1006-1G>T (NM_000443.3, NM_018850.3, NM_018849.3).
Identifiers: ClinVar variation 498111 (VCV000498111.10), dbSNP rs772823352, ClinGen allele CA4327403.